The following is an entry in ClinVar:

ClinVar aggregate classification (germline): Uncertain significance (1 of 4 stars; one submission).

Conditions:
Familial cold autoinflammatory syndrome 3 (FCAS3). Also called: FAMILIAL ATYPICAL COLD URTICARIA; ANTIBODY DEFICIENCY AND IMMUNE DYSREGULATION, PLCG2-ASSOCIATED. Identifiers: Orphanet 300359, MedGen C3280914, MONDO:0013766, OMIM 614468.

Allele frequency attached by ClinVar (database versions not stated): gnomAD exomes below 0.00001; ExAC 0.00001.
gnomAD v4.1: 5 of 1,613,780 alleles (0.00031%); highest among the groups gnomAD compares: South Asian, 0.0033%; no homozygotes.

Submission:

Labcorp Genetics (formerly Invitae), Labcorp
Classification: Uncertain significance for Familial cold autoinflammatory syndrome 3. Last evaluated: 2025-07-14. Review status: criteria provided, single submitter. Criteria: Invitae Variant Classification Sherloc (09022015). Collection method: clinical testing. Allele origin: germline.
Comment: This sequence change replaces glycine, which is neutral and non-polar, with serine, which is neutral and polar, at codon 556 of the PLCG2 protein (p.Gly556Ser). This variant is present in population databases (rs779697226, gnomAD 0.003%). This variant has not been reported in the literature in individuals affected with PLCG2-related conditions. ClinVar contains an entry for this variant (Variation ID: 1413573). An algorithm developed to predict the effect of missense changes on protein structure and function (PolyPhen-2) suggests that this variant is likely to be tolerated. In summary, the available evidence is currently insufficient to determine the role of this variant in disease. Therefore, it has been classified as a Variant of Uncertain Significance.

NM_002661.5(PLCG2):c.1666G>A (p.Gly556Ser)

Gene: PLCG2 (phospholipase C gamma 2; plus strand). Cytogenetic location: 16q23.3.
Variant type: single nucleotide variant.
Coding change: c.1666G>A on transcript NM_002661.5 (MANE Select); coding-DNA position 1666, G replaced by A.
Protein change: p.Gly556Ser; replaces glycine 556 with serine.
Molecular consequence: missense variant.
Genome position (GRCh38, 1-based): chr16:81,908,524, G>A. VCF-style: chr16-81908524-G-A. GRCh37 (hg19) VCF-style: chr16-81942129-G-A.
Other names: short protein forms G556S.
Identifiers: ClinVar variation 1413573 (VCV001413573.6), dbSNP rs779697226, ClinGen allele CA8193883.
Genomic context (GRCh38, chr16:81,908,524, plus strand): 5'-AAGGTGGAGAAGAGGACGAGTGCCGAGAAGTTGCTGCAGGAATACTGCATGGAGACGGGG[G>A]GCAAGGATGGCACCTTCCTGGTTCGGGAGAGCGAGACCTTCCCCAATGACTACACCCTGT-3'
Protein context (NP_002652.2, residues 546-566): LLQEYCMETG[Gly556Ser]KDGTFLVRES